The following is an entry in ClinVar:

ClinVar aggregate classification (germline): Conflicting classifications of pathogenicity. Review status: criteria provided, conflicting classifications (1 of 4 stars). 2 submissions from 2 submitters: Likely pathogenic (1); Uncertain significance (1). Last evaluated 2026-08-13.

Conditions:
Congenital adrenal insufficiency with 46, XY sex reversal OR 46,XY disorder of sex development-adrenal insufficiency due to CYP11A1 deficiency. Also called: Congenital adrenal insuffiency with 46, XY sex reversal OR 46,XY disorder of sex development-adrenal insufficiency due to CYP11A1 deficiency; P450scc DEFICIENCY. Identifiers: Orphanet 168558, MedGen C3151055, MONDO:0013400, OMIM 613743.

Submissions (2):

Myriad Genetics, Inc.
Classification: Uncertain significance for Congenital adrenal insufficiency with 46, XY sex reversal OR 46,XY disorder of sex development-adrenal insufficiency due to CYP11A1 deficiency. Last evaluated: 2026-08-13. Review status: criteria provided, single submitter. Criteria: Myriad Autosomal Dominant, Autosomal Recessive and X-Linked Classification Criteria (2023). Collection method: clinical testing. Allele origin: unknown.
Comment: NM_000781.2(CYP11A1):c.644T>C(F215S) is a missense variant classified as a variant of uncertain significance in the context of congenital adrenal hyperplasia, CYP11A1-related. F215S has been observed in cases with relevant disease (PMID: 23337730, 41386740). Relevant functional assessments of this variant are available in the literature (PMID: 23337730). F215S has been observed in referenced population frequency databases. In summary, there is insufficient evidence to classify NM_000781.2(CYP11A1):c.644T>C(F215S) as pathogenic or benign. Please note: this variant was assessed in the context of healthy population screening.

Fulgent Genetics
Classification: Likely pathogenic for Congenital adrenal insufficiency with 46, XY sex reversal OR 46,XY disorder of sex development-adrenal insufficiency due to CYP11A1 deficiency. Last evaluated: 2024-06-15. Review status: criteria provided, single submitter. Criteria: ACMG Guidelines, 2015. Collection method: clinical testing. Allele origin: germline.

Literature cited by the submitters: PubMed 23337730 (cited by Myriad Genetics, Inc.); PubMed 41386740 (cited by Myriad Genetics, Inc.).

NM_000781.3(CYP11A1):c.644T>C (p.Phe215Ser)

Gene: CYP11A1 (cytochrome P450 family 11 subfamily A member 1; minus strand). Cytogenetic location: 15q24.1.
Variant type: single nucleotide variant.
Coding change: c.644T>C on transcript NM_000781.3 (MANE Select); coding-DNA position 644, T replaced by C.
Protein change: p.Phe215Ser; replaces phenylalanine 215 with serine.
Molecular consequence: missense variant.
Genome position (GRCh38, 1-based): chr15:74,343,974, A>G on the plus strand (T>C on the coding strand, the complement: CYP11A1 is on the minus strand). VCF-style: chr15-74343974-A-G. GRCh37 (hg19) VCF-style: chr15-74636315-A-G.
Other names: c.170T>C, p.Phe57Ser (NM_001099773.2); short protein forms F215S, F57S.
Identifiers: ClinVar variation 3577687 (VCV003577687.2).